The following is an entry in ClinVar:

NM_001360.3(DHCR7):c.1113G>A (p.Trp371Ter)

Gene: DHCR7 (7-dehydrocholesterol reductase; minus strand). Cytogenetic location: 11q13.4.
Variant type: single nucleotide variant.
Coding change: c.1113G>A on transcript NM_001360.3 (MANE Select); coding-DNA position 1113, G replaced by A.
Protein change: p.Trp371Ter; replaces tryptophan 371 with a stop codon.
Molecular consequence: nonsense.
Genome position (GRCh38, 1-based): chr11:71,435,690, C>T on the plus strand (G>A on the coding strand, the complement: DHCR7 is on the minus strand). VCF-style: chr11-71435690-C-T. GRCh37 (hg19) VCF-style: chr11-71146736-C-T.
Other names: c.1113G>A, p.Trp371Ter (NM_001163817.2); short protein forms W371*.
Identifiers: ClinVar variation 2135337 (VCV002135337.5), dbSNP rs1294449428, ClinGen allele CA381701992.

ClinVar aggregate classification (germline): Pathogenic. Review status: criteria provided, multiple submitters, no conflicts (2 of 4 stars). 2 submissions from 2 submitters: Pathogenic (2). Last evaluated 2026-05-22.

Conditions:
Smith-Lemli-Opitz syndrome (SLOS). Also called: 7-Dehydrocholesterol reductase deficiency; LETHAL ACRODYSGENITAL SYNDROME; POLYDACTYLY, SEX REVERSAL, RENAL HYPOPLASIA, AND UNILOBAR LUNG; RSH SYNDROME; RUTLEDGE LETHAL MULTIPLE CONGENITAL ANOMALY SYNDROME. Identifiers: Orphanet 818, MedGen C0175694, MONDO:0010035, OMIM 270400.

Allele frequency attached by ClinVar (database versions not stated): gnomAD exomes below 0.00001.
gnomAD v4.1: 1 of 1,613,222 alleles (0.000062%); highest among the groups gnomAD compares: Admixed American, 0.0017%; no homozygotes.

Submissions (2):

Myriad Genetics, Inc.
Classification: Pathogenic for Smith-Lemli-Opitz syndrome. Last evaluated: 2026-05-22. Review status: criteria provided, single submitter. Criteria: Myriad Autosomal Dominant, Autosomal Recessive and X-Linked Classification Criteria (2023). Collection method: clinical testing. Allele origin: unknown.
Comment: NM_001360.2(DHCR7):c.1113G>A(W371*) is a nonsense variant classified as pathogenic in the context of Smith-Lemli-Opitz syndrome. W371* has not been observed in cases with relevant disease. Relevant functional assessments of this variant are not available in the literature. W371* has been observed in referenced population frequency databases. In summary, NM_001360.2(DHCR7):c.1113G>A(W371*) is a nonsense variant in a gene where loss of function is a known mechanism of disease and is predicted to disrupt protein function. Please note: this variant was assessed in the context of healthy population screening.

Labcorp Genetics (formerly Invitae), Labcorp
Classification: Pathogenic for Smith-Lemli-Opitz syndrome. Last evaluated: 2022-05-13. Review status: criteria provided, single submitter. Criteria: Invitae Variant Classification Sherloc (09022015). Collection method: clinical testing. Allele origin: germline.
Comment: For these reasons, this variant has been classified as Pathogenic. This variant disrupts a region of the DHCR7 protein in which other variant(s) (p.Phe475Ser) have been determined to be pathogenic (PMID: 15776424). This suggests that this is a clinically significant region of the protein, and that variants that disrupt it are likely to be disease-causing. A different variant (c.1112G>A) giving rise to the same protein effect has been determined to be pathogenic (Invitae). This suggests that this variant is also likely to be causative of disease. This variant is present in population databases (no rsID available, gnomAD 0.003%). This sequence change creates a premature translational stop signal (p.Trp371*) in the DHCR7 gene. While this is not anticipated to result in nonsense mediated decay, it is expected to disrupt the last 105 amino acid(s) of the DHCR7 protein.

Literature cited by the submitters: PubMed 15776424 (cited by Labcorp Genetics (formerly Invitae), Labcorp).